The following is an entry in ClinVar:

ClinVar aggregate classification (germline): Uncertain significance (1 of 4 stars; one submission).

Conditions:
Developmental and epileptic encephalopathy, 1 (DEE1). Also called: INFANTILE SPASM SYNDROME, X-LINKED 1; X-linked infantile spasms; West's syndrome; Tonic spasms with clustering, arrest of psychomotor development and hypsarrhythmia on EEG; X-Linked Infantile Spasm Syndrome; OHTAHARA SYNDROME, X-LINKED. Identifiers: MedGen C3463992, MONDO:0010632, OMIM 308350. Disease mechanism: loss of function.
Autosomal recessive spinocerebellar ataxia 12. Also called: SPINOCEREBELLAR ATAXIA WITH MENTAL RETARDATION AND EPILEPSY. Identifiers: Orphanet 284282, MedGen C3280452, MONDO:0013687, OMIM 614322.

gnomAD v4.1: 1 of 1,614,174 alleles (0.000062%); highest among the groups gnomAD compares: Non-Finnish European, 0.000085%; no homozygotes.

Submission:

Labcorp Genetics (formerly Invitae), Labcorp
Classification: Uncertain significance for Developmental and epileptic encephalopathy, 1; Autosomal recessive spinocerebellar ataxia 12. Last evaluated: 2025-02-19. Review status: criteria provided, single submitter. Criteria: Invitae Variant Classification Sherloc (09022015). Collection method: clinical testing. Allele origin: germline.
Comment: This sequence change replaces histidine, which is basic and polar, with arginine, which is basic and polar, at codon 308 of the WWOX protein (p.His308Arg). This variant is not present in population databases (gnomAD no frequency). This variant has not been reported in the literature in individuals affected with WWOX-related conditions. ClinVar contains an entry for this variant (Variation ID: 1524720). Invitae Evidence Modeling of protein sequence and biophysical properties (such as structural, functional, and spatial information, amino acid conservation, physicochemical variation, residue mobility, and thermodynamic stability) indicates that this missense variant is not expected to disrupt WWOX protein function with a negative predictive value of 80%. In summary, the available evidence is currently insufficient to determine the role of this variant in disease. Therefore, it has been classified as a Variant of Uncertain Significance.

NM_016373.4(WWOX):c.923A>G (p.His308Arg)

Gene: WWOX (WW domain containing oxidoreductase; plus strand). Cytogenetic location: 16q23.1.
Variant type: single nucleotide variant.
Coding change: c.923A>G on transcript NM_016373.4 (MANE Select); coding-DNA position 923, A replaced by G.
Protein change: p.His308Arg; replaces histidine 308 with arginine.
Molecular consequence: missense variant.
Genome position (GRCh38, 1-based): chr16:78,432,619, A>G. VCF-style: chr16-78432619-A-G. GRCh37 (hg19) VCF-style: chr16-78466516-A-G.
Other names: c.584A>G, p.His195Arg (NM_001291997.2); short protein forms H308R, H195R.
Identifiers: ClinVar variation 1524720 (VCV001524720.6), dbSNP rs2151386107, ClinGen allele CA396843291.